The following is an entry in ClinVar:

NM_018249.6(CDK5RAP2):c.4237A>G (p.Ile1413Val)

Gene: CDK5RAP2 (CDK5 regulatory subunit associated protein 2; minus strand). Cytogenetic location: 9q33.2.
Variant type: single nucleotide variant.
Coding change: c.4237A>G on transcript NM_018249.6 (MANE Select); coding-DNA position 4237, A replaced by G.
Protein change: p.Ile1413Val; replaces isoleucine 1413 with valine.
Molecular consequence: missense variant. On other transcripts: non-coding transcript variant (5).
Genome position (GRCh38, 1-based): chr9:120,415,100, T>C on the plus strand (A>G on the coding strand, the complement: CDK5RAP2 is on the minus strand). VCF-style: chr9-120415100-T-C. GRCh37 (hg19) VCF-style: chr9-123177378-T-C.
Other names: c.4237A>G (NM_018249.4); c.4237A>G, p.Ile1413Val (NM_001011649.3); c.3547A>G, p.Ile1183Val (NM_001272039.2); c.4138A>G, p.Ile1380Val (NM_001410992.1); c.4141A>G, p.Ile1381Val (NM_001410993.1); c.4234A>G, p.Ile1412Val (NM_001410994.1); short protein forms I1413V, I1183V, I1380V, I1412V, I1381V.
Identifiers: ClinVar variation 1970717 (VCV001970717.5), dbSNP rs761856960, ClinGen allele CA5213622.

ClinVar aggregate classification (germline): Uncertain significance. Review status: criteria provided, multiple submitters, no conflicts (2 of 4 stars). 2 submissions from 2 submitters: Uncertain significance (2). Last evaluated 2025-10-15.

Conditions:
Inborn genetic diseases. Identifiers: MedGen C0950123, MeSH D030342.

Allele frequency attached by ClinVar (database versions not stated): ExAC 0.00003; gnomAD 0.00003; TOPMed 0.00003; gnomAD exomes 0.00004.
gnomAD v4.1: 69 of 1,614,080 alleles (0.0043%); highest among the groups gnomAD compares: Middle Eastern, 0.066%; no homozygotes.

Submissions (2):

Ambry Genetics
Classification: Uncertain significance for Inborn genetic diseases. Last evaluated: 2025-10-15. Review status: criteria provided, single submitter. Criteria: Ambry Variant Classification Scheme 2023. Collection method: clinical testing. Allele origin: germline.

Labcorp Genetics (formerly Invitae), Labcorp
Classification: Uncertain significance. Last evaluated: 2025-10-08. Review status: criteria provided, single submitter. Criteria: Invitae Variant Classification Sherloc (09022015). Collection method: clinical testing. Allele origin: germline.
Comment: This sequence change replaces isoleucine, which is neutral and non-polar, with valine, which is neutral and non-polar, at codon 1413 of the CDK5RAP2 protein (p.Ile1413Val). This variant is present in population databases (rs761856960, gnomAD 0.006%). This variant has not been reported in the literature in individuals affected with CDK5RAP2-related conditions. ClinVar contains an entry for this variant (Variation ID: 1970717). An algorithm developed to predict the effect of missense changes on protein structure and function (PolyPhen-2) suggests that this variant is likely to be disruptive. In summary, the available evidence is currently insufficient to determine the role of this variant in disease. Therefore, it has been classified as a Variant of Uncertain Significance.